The following is an entry in ClinVar:

NM_014714.4(IFT140):c.2426G>A (p.Arg809His)

Gene: IFT140 (intraflagellar transport 140; minus strand). Cytogenetic location: 16p13.3.
Variant type: single nucleotide variant.
Coding change: c.2426G>A on transcript NM_014714.4 (MANE Select); coding-DNA position 2426, G replaced by A.
Protein change: p.Arg809His; replaces arginine 809 with histidine.
Molecular consequence: missense variant.
Genome position (GRCh38, 1-based): chr16:1,526,770, C>T on the plus strand (G>A on the coding strand, the complement: IFT140 is on the minus strand). VCF-style: chr16-1526770-C-T. GRCh37 (hg19) VCF-style: chr16-1576771-C-T.
Other names: c.2426G>A (NM_014714.3); short protein forms R809H.
Identifiers: ClinVar variation 2196316 (VCV002196316.3), dbSNP rs780661065, ClinGen allele CA7813628.
Genomic context (GRCh38, chr16:1,526,770, plus strand): 5'-TGGCCCATGTTCCCCAGGCACACCTTGGCCACGTCCAGCCGCTGGGTCTTCACGCACATG[C>T]GCGCCATGTTCTCCCAGACGGCCTCACTGTGGGCAGACGGGGGTCTGTGAGGCTCCTGCC-3'
Protein context (NP_055529.2, residues 799-819): KSEAVWENMA[Arg809His]MCVKTQRLDV

ClinVar aggregate classification (germline): Uncertain significance. Review status: criteria provided, multiple submitters, no conflicts (2 of 4 stars). 3 submissions from 3 submitters: Uncertain significance (3). Last evaluated 2025-08-28.

Conditions:
Inborn genetic diseases. Identifiers: MedGen C0950123, MeSH D030342.
Saldino-Mainzer syndrome (SRTD9). Also called: CONORENAL SYNDROME; SHORT-RIB THORACIC DYSPLASIA 9 WITHOUT POLYDACTYLY; short-rib thoracic dysplasia 9 with or without polydactyly; Renal dysplasia, retinal pigmentary dystrophy, cerebellar ataxia and skeletal dysplasia. Identifiers: Orphanet 140969, MedGen C1849437, MONDO:0009964, OMIM 266920.

Allele frequency attached by ClinVar (database versions not stated): gnomAD 0.00001; TOPMed 0.00001.
gnomAD v4.1: 10 of 1,609,992 alleles (0.00062%); highest among the groups gnomAD compares: East Asian, 0.0089%; no homozygotes.

Submissions (3):

Ambry Genetics
Classification: Uncertain significance for Inborn genetic diseases. Last evaluated: 2025-08-28. Review status: criteria provided, single submitter. Criteria: Ambry Variant Classification Scheme 2023. Collection method: clinical testing. Allele origin: germline.

Blueprint Genetics
Classification: Uncertain significance. Last evaluated: 2023-02-14. Review status: criteria provided, single submitter. Criteria: ACMG Guidelines, 2015. Collection method: clinical testing. Allele origin: germline.

Labcorp Genetics (formerly Invitae), Labcorp
Classification: Uncertain significance for Saldino-Mainzer syndrome. Last evaluated: 2022-08-20. Review status: criteria provided, single submitter. Criteria: Invitae Variant Classification Sherloc (09022015). Collection method: clinical testing. Allele origin: germline.
Comment: This sequence change replaces arginine, which is basic and polar, with histidine, which is basic and polar, at codon 809 of the IFT140 protein (p.Arg809His). The frequency data for this variant in the population databases is considered unreliable, as metrics indicate poor data quality at this position in the gnomAD database. This variant has not been reported in the literature in individuals affected with IFT140-related conditions. Algorithms developed to predict the effect of missense changes on protein structure and function are either unavailable or do not agree on the potential impact of this missense change (SIFT: "Deleterious"; PolyPhen-2: "Benign"; Align-GVGD: "Class C0"). In summary, the available evidence is currently insufficient to determine the role of this variant in disease. Therefore, it has been classified as a Variant of Uncertain Significance.